The following is an entry in ClinVar:

NM_020937.4(FANCM):c.5866A>C (p.Asn1956His)

Gene: FANCM (FA complementation group M; plus strand). Cytogenetic location: 14q21.2.
Variant type: single nucleotide variant.
Coding change: c.5866A>C on transcript NM_020937.4 (MANE Select); coding-DNA position 5866, A replaced by C.
Protein change: p.Asn1956His; replaces asparagine 1956 with histidine.
Molecular consequence: missense variant.
Genome position (GRCh38, 1-based): chr14:45,198,793, A>C. VCF-style: chr14-45198793-A-C. GRCh37 (hg19) VCF-style: chr14-45667996-A-C.
Other names: c.5788A>C, p.Asn1930His (NM_001308133.2); short protein forms N1930H, N1956H.
Identifiers: ClinVar variation 4022741 (VCV004022741.1).

ClinVar aggregate classification (germline): Uncertain significance (1 of 4 stars; one submission).

Conditions:
Inborn genetic diseases. Identifiers: MedGen C0950123, MeSH D030342.

Submission:

Ambry Genetics
Classification: Uncertain significance for Inborn genetic diseases. Last evaluated: 2025-05-02. Review status: criteria provided, single submitter. Criteria: Ambry Variant Classification Scheme 2023. Collection method: clinical testing. Allele origin: germline.
Comment: The p.N1956H variant (also known as c.5866A>C), located in coding exon 22 of the FANCM gene, results from an A to C substitution at nucleotide position 5866. The asparagine at codon 1956 is replaced by histidine, an amino acid with similar properties. This amino acid position is conserved. In addition, this alteration is predicted to be tolerated by in silico analysis. Based on the available evidence, the clinical significance of this variant remains unclear.